The following is an entry in ClinVar:

NM_000020.3(ACVRL1):c.271G>A (p.Asp91Asn)

Gene: ACVRL1 (activin A receptor like type 1; plus strand). Cytogenetic location: 12q13.13.
Variant type: single nucleotide variant.
Coding change: c.271G>A on transcript NM_000020.3 (MANE Select); coding-DNA position 271, G replaced by A.
Protein change: p.Asp91Asn; replaces aspartic acid 91 with asparagine.
Molecular consequence: missense variant.
Genome position (GRCh38, 1-based): chr12:51,913,308, G>A. VCF-style: chr12-51913308-G-A. GRCh37 (hg19) VCF-style: chr12-52307092-G-A.
Other names: c.271G>A, p.Asp91Asn (NM_001077401.2, NM_001406487.1, NM_001406488.1 and 6 more transcripts); short protein forms D91N.
Identifiers: ClinVar variation 2075609 (VCV002075609.2), dbSNP rs764145478, ClinGen allele CA6572848.

ClinVar aggregate classification (germline): Uncertain significance. Review status: criteria provided, multiple submitters, no conflicts (2 of 4 stars). 2 submissions from 2 submitters: Uncertain significance (2). Last evaluated 2023-09-26.

Conditions:
Telangiectasia, hereditary hemorrhagic, type 2 (HHT2). Also called: Telangiectasia, hereditary hemorrhagic, type II; ACVRL1-Related Hereditary Hemorrhagic Telangiectasia. Identifiers: Orphanet 774, MedGen C1838163, MONDO:0010880, OMIM 600376. Disease mechanism: loss of function.

Allele frequency attached by ClinVar (database versions not stated): ExAC 0.00001; gnomAD 0.00002; gnomAD exomes 0.00002; TOPMed 0.00002.

Submissions (2):

Blueprint Genetics
Classification: Uncertain significance. Last evaluated: 2023-09-26. Review status: criteria provided, single submitter. Criteria: ACMG Guidelines, 2015. Collection method: clinical testing. Allele origin: germline.

Labcorp Genetics (formerly Invitae), Labcorp
Classification: Uncertain significance for Telangiectasia, hereditary hemorrhagic, type 2. Last evaluated: 2022-04-22. Review status: criteria provided, single submitter. Criteria: Invitae Variant Classification Sherloc (09022015). Collection method: clinical testing. Allele origin: germline.
Comment: This sequence change replaces aspartic acid, which is acidic and polar, with asparagine, which is neutral and polar, at codon 91 of the ACVRL1 protein (p.Asp91Asn). The frequency data for this variant in the population databases is considered unreliable, as metrics indicate poor data quality at this position in the gnomAD database. This variant has not been reported in the literature in individuals affected with ACVRL1-related conditions. Algorithms developed to predict the effect of missense changes on protein structure and function output the following: SIFT: "Tolerated"; PolyPhen-2: "Benign"; Align-GVGD: "Class C0". The asparagine amino acid residue is found in multiple mammalian species, which suggests that this missense change does not adversely affect protein function. In summary, the available evidence is currently insufficient to determine the role of this variant in disease. Therefore, it has been classified as a Variant of Uncertain Significance.